The following is an entry in ClinVar:

NM_004706.4(ARHGEF1):c.44G>A (p.Arg15Gln)

Gene: ARHGEF1 (Rho guanine nucleotide exchange factor 1; plus strand). Cytogenetic location: 19q13.2.
Variant type: single nucleotide variant.
Coding change: c.44G>A on transcript NM_004706.4 (MANE Select); coding-DNA position 44, G replaced by A.
Protein change: p.Arg15Gln; replaces arginine 15 with glutamine.
Molecular consequence: missense variant. On other transcripts: non-coding transcript variant (2).
Genome position (GRCh38, 1-based): chr19:41,888,211, G>A. VCF-style: chr19-41888211-G-A. GRCh37 (hg19) VCF-style: chr19-42392282-G-A.
Other names: c.44G>A, p.Arg15Gln (NM_001396004.1, NM_001396006.1, NM_198977.2 and 3 more transcripts); c.89G>A, p.Arg30Gln (NM_199002.2); short protein forms R15Q, R30Q.
Identifiers: ClinVar variation 2981070 (VCV002981070.3), dbSNP rs781793490, ClinGen allele CA9465763.

ClinVar aggregate classification (germline): Uncertain significance (1 of 4 stars; one submission).

Allele frequency attached by ClinVar (database versions not stated): TOPMed 0.00001; ExAC 0.00002.
gnomAD v4.1: 6 of 1,614,020 alleles (0.00037%); highest among the groups gnomAD compares: Non-Finnish European, 0.00051%; no homozygotes.

Submission:

Labcorp Genetics (formerly Invitae), Labcorp
Classification: Uncertain significance. Last evaluated: 2024-08-14. Review status: criteria provided, single submitter. Criteria: Invitae Variant Classification Sherloc (09022015). Collection method: clinical testing. Allele origin: germline.
Comment: This sequence change replaces arginine, which is basic and polar, with glutamine, which is neutral and polar, at codon 30 of the ARHGEF1 protein (p.Arg30Gln). This variant is present in population databases (rs781793490, gnomAD 0.004%). This variant has not been reported in the literature in individuals affected with ARHGEF1-related conditions. An algorithm developed to predict the effect of missense changes on protein structure and function (PolyPhen-2) suggests that this variant is likely to be tolerated. In summary, the available evidence is currently insufficient to determine the role of this variant in disease. Therefore, it has been classified as a Variant of Uncertain Significance.